The following is an entry in ClinVar:

NM_138694.4(PKHD1):c.8382C>G (p.Asp2794Glu)

Gene: PKHD1 (PKHD1 ciliary IPT domain containing fibrocystin/polyductin; minus strand). Cytogenetic location: 6p12.3.
Variant type: single nucleotide variant.
Coding change: c.8382C>G on transcript NM_138694.4 (MANE Select); coding-DNA position 8382, C replaced by G.
Protein change: p.Asp2794Glu; replaces aspartic acid 2794 with glutamic acid.
Molecular consequence: missense variant.
Genome position (GRCh38, 1-based): chr6:51,791,294, G>C on the plus strand (C>G on the coding strand, the complement: PKHD1 is on the minus strand). VCF-style: chr6-51791294-G-C. GRCh37 (hg19) VCF-style: chr6-51656092-G-C.
Other names: c.8382C>G, p.Asp2794Glu (NM_170724.3); short protein forms D2794E.
Identifiers: ClinVar variation 1210457 (VCV001210457.8), dbSNP rs746096431, ClinGen allele CA3851649.
Genomic context (GRCh38, chr6:51,791,294, plus strand): 5'-ACCAACTTTCAGCTCCCCGCCTGCAATGACCATGCATGCCACACTCAGAACATTGCTTCT[G>C]TCCACAGGGAAGTCTAAGGTCCCCATCACATACAGCCCTTTGAAGAATGGAAGATCTGTA-3'
Protein context (NP_619639.3, residues 2784-2804): YVMGTLDFPV[Asp2794Glu]RSNVLSVACM

ClinVar aggregate classification (germline): Uncertain significance. Review status: criteria provided, multiple submitters, no conflicts (2 of 4 stars). 5 submissions from 5 submitters: Uncertain significance (5). Last evaluated 2025-10-30.

Conditions:
PKHD1-related disorder. Also called: PKHD1-related condition.
Inborn genetic diseases. Identifiers: MedGen C0950123, MeSH D030342.
Polycystic kidney disease 4 (PKD4). Also called: PKD3; Autosomal Recessive Polycystic Kidney Disease – PKHD1; POLYCYSTIC KIDNEY AND HEPATIC DISEASE 1; POLYCYSTIC KIDNEY DISEASE, INFANTILE, TYPE I; POLYCYSTIC KIDNEY DISEASE 4 WITH OR WITHOUT POLYCYSTIC LIVER DISEASE. Identifiers: MedGen C4540575, MONDO:0033004, OMIM 263200.

Allele frequency attached by ClinVar (database versions not stated): gnomAD exomes 0.00002; TOPMed 0.00002; ExAC 0.00003; gnomAD 0.00001.
gnomAD v4.1: 30 of 1,613,766 alleles (0.0019%); highest among the groups gnomAD compares: Middle Eastern, 0.016%; no homozygotes.

Submissions (5):

PreventionGenetics, part of Exact Sciences
Classification: Uncertain significance for PKHD1-related condition. Last evaluated: 2025-10-30. Review status: criteria provided, single submitter. Criteria: ACMG Guidelines, 2015. Collection method: clinical testing. Allele origin: germline.
Comment: The PKHD1 c.8382C>G variant is predicted to result in the amino acid substitution p.Asp2794Glu. To our knowledge, this variant has not been reported in the literature. This variant is reported in 0.0044% of alleles in individuals of European (Non-Finnish) descent in gnomAD. At this time, the clinical significance of this variant is uncertain due to the absence of conclusive functional and genetic evidence.

Fulgent Genetics
Classification: Uncertain significance for Polycystic kidney disease 4. Last evaluated: 2024-04-10. Review status: criteria provided, single submitter. Criteria: ACMG Guidelines, 2015. Collection method: clinical testing. Allele origin: germline.

Ambry Genetics
Classification: Uncertain significance for Inborn genetic diseases. Last evaluated: 2024-03-31. Review status: criteria provided, single submitter. Criteria: Ambry Variant Classification Scheme 2023. Collection method: clinical testing. Allele origin: germline.

Genome-Nilou Lab
Classification: Uncertain significance for Polycystic kidney disease 4. Last evaluated: 2021-07-22. Review status: criteria provided, single submitter. Criteria: ACMG Guidelines, 2015. Collection method: clinical testing. Allele origin: germline. Affected: no.

Breakthrough Genomics
Classification: Uncertain significance. Review status: criteria provided, single submitter. Criteria: ACMG Guidelines, 2015. Collection method: not provided. Allele origin: germline. Inheritance: Autosomal recessive inheritance. Affected: yes.